The following is an entry in ClinVar:

ClinVar aggregate classification (germline): Uncertain significance (3 of 4 stars; one submission).

Conditions:
Open-angle glaucoma. Identifiers: MedGen C0017612, MONDO:0005338, HP:0012108.

Submission:

ClinGen Glaucoma Variant Curation Expert Panel
Classification: Uncertain significance for Open-angle glaucoma. Last evaluated: 2025-10-08. Review status: reviewed by expert panel. Criteria: ClinGen Glaucoma ACMG Specifications V2.0.0 Approved. Collection method: curation. Allele origin: germline. Inheritance: Autosomal dominant inheritance.
Comment: The c.24C>A variant in MYOC is predicted to cause a change in the length of the protein due to the insertion of a terminating codon instead of the usual Cysteine at amino acid 8 (p.Cys8Ter). Truncation of this protein occurs outside of the conserved olfactomedin domain, which did not meet PM4. PVS1 did not apply, as the disease mechanism for MYOC variants associated with juvenile or primary open angle glaucoma (JOAG or POAG) is not loss-of-function. This variant was not found in any genetic ancestry group of gnomAD (v4.1.0), meeting the ≤ 0.0001 threshold set for PM2_Supporting in a genetic ancestry group of at least 10,000 alleles. There was no functional evidence predicting a damaging or benign impact of this variant on MYOC function. 2 probands with JOAG have been reported carrying this variant (PMID: 18385784), which met PS4_Supporting (≥ 2 probands). In summary, this variant met the criteria to receive a score of 2 and to be classified as a variant of uncertain significance (uncertain significance classification range -1 to 5, adapted from PMID: 32720330) for juvenile open angle glaucoma based on the ACMG/AMP criteria met, as specified by the ClinGen Glaucoma VCEP (v2.0.0, 5 Dec 2024): PS4_Supporting, PM2_Supporting

NM_000261.2(MYOC):c.24C>A (p.Cys8Ter)

Gene: MYOC (myocilin; minus strand). Cytogenetic location: 1q24.3.
Variant type: single nucleotide variant.
Coding change: c.24C>A on transcript NM_000261.2 (MANE Select); coding-DNA position 24, C replaced by A.
Protein change: p.Cys8Ter; replaces cysteine 8 with a stop codon.
Molecular consequence: nonsense.
Genome position (GRCh38, 1-based): chr1:171,652,588, G>T on the plus strand (C>A on the coding strand, the complement: MYOC is on the minus strand). VCF-style: chr1-171652588-G-T. GRCh37 (hg19) VCF-style: chr1-171621728-G-T.
Other names: NM_000261.2:c.24C>A; short protein forms C8*.
Identifiers: ClinVar variation 1703218 (VCV001703218.2), dbSNP rs2527874512, ClinGen allele CA343720163.
Genomic context (GRCh38, chr1:171,652,588, plus strand): 5'-CCACACCAGGCAGGCCAGAAGCAGCAGCTGGACAGCTGGCATCTCAGGCCCAAAGCTGCA[G>T]CAACGTGCACAGAAGAACCTCATTGCAGAGGCTTGGTGAGGCTTCCTCTGGAAAGCTCTG-3'